The following is an entry in ClinVar:

NM_001130009.3(GEN1):c.1811A>T (p.Asn604Ile)

Gene: GEN1 (GEN1 structure-specific endonuclease; plus strand). Cytogenetic location: 2p24.2.
Variant type: single nucleotide variant.
Coding change: c.1811A>T on transcript NM_001130009.3 (MANE Select); coding-DNA position 1811, A replaced by T.
Protein change: p.Asn604Ile; replaces asparagine 604 with isoleucine.
Molecular consequence: missense variant.
Genome position (GRCh38, 1-based): chr2:17,781,023, A>T. VCF-style: chr2-17781023-A-T. GRCh37 (hg19) VCF-style: chr2-17962290-A-T.
Other names: c.1811A>T, p.Asn604Ile (NM_182625.5); c.1811A>T (NM_001130009.1); short protein forms N604I.
Identifiers: ClinVar variation 2810085 (VCV002810085.4), dbSNP rs2545628453, ClinGen allele CA345926678.
Genomic context (GRCh38, chr2:17,781,023, plus strand): 5'-ACTTGAGCACTATTGACTGGGAAGGTACTTCTTTTAGTAATTCTCCAGCTATTCAAAGGA[A>T]TACTTTTTCTCATGATTTAAAATCAGAAGTTGAATCAGAGCTATCAGCCATCCCTGATGG-3'
Protein context (NP_001123481.3, residues 594-614): SFSNSPAIQR[Asn604Ile]TFSHDLKSEV

ClinVar aggregate classification (germline): Uncertain significance. Review status: criteria provided, multiple submitters, no conflicts (2 of 4 stars). 2 submissions from 2 submitters: Uncertain significance (2). Last evaluated 2026-08-11.

Submissions (2):

Ambry Genetics
Classification: Uncertain significance. Last evaluated: 2026-08-11. Review status: criteria provided, single submitter. Criteria: Ambry Variant Classification Scheme 2023. Collection method: clinical testing. Allele origin: germline.
Comment: The p.N604I variant (also known as c.1811A>T), located in coding exon 13 of the GEN1 gene, results from an A to T substitution at nucleotide position 1811. The asparagine at codon 604 is replaced by isoleucine, an amino acid with dissimilar properties. This amino acid position is conserved. In addition, this alteration is predicted to be tolerated by in silico analysis. Based on the available evidence, the clinical significance of this variant remains unclear.

Labcorp Genetics (formerly Invitae), Labcorp
Classification: Uncertain significance. Last evaluated: 2022-10-27. Review status: criteria provided, single submitter. Criteria: Invitae Variant Classification Sherloc (09022015). Collection method: clinical testing. Allele origin: germline.
Comment: This sequence change replaces asparagine, which is neutral and polar, with isoleucine, which is neutral and non-polar, at codon 604 of the GEN1 protein (p.Asn604Ile). This variant is not present in population databases (gnomAD no frequency). This variant has not been reported in the literature in individuals affected with GEN1-related conditions. Algorithms developed to predict the effect of missense changes on protein structure and function (SIFT, PolyPhen-2, Align-GVGD) all suggest that this variant is likely to be tolerated. In summary, the available evidence is currently insufficient to determine the role of this variant in disease. Therefore, it has been classified as a Variant of Uncertain Significance.